The following is an entry in ClinVar:

NM_006005.3(WFS1):c.630C>T (p.His210=)

Gene: WFS1 (wolframin ER transmembrane glycoprotein; plus strand). Cytogenetic location: 4p16.1.
Variant type: single nucleotide variant.
Coding change: c.630C>T on transcript NM_006005.3 (MANE Select); coding-DNA position 630, C replaced by T.
Protein change: p.His210=; no amino-acid change (histidine 210 retained).
Molecular consequence: synonymous variant.
Genome position (GRCh38, 1-based): chr4:6,291,366, C>T. VCF-style: chr4-6291366-C-T. GRCh37 (hg19) VCF-style: chr4-6293093-C-T.
Other names: c.630C>T, p.His210= (NM_001145853.1).
Identifiers: ClinVar variation 1120077 (VCV001120077.6), dbSNP rs144851092, ClinGen allele CA2838955.

ClinVar aggregate classification (germline): Conflicting classifications of pathogenicity. Review status: criteria provided, conflicting classifications (1 of 4 stars). 2 submissions from 2 submitters: Uncertain significance (1); Likely benign (1). Last evaluated 2024-06-26.

Allele frequency attached by ClinVar (database versions not stated): gnomAD exomes below 0.00001 and 0.00002; TOPMed 0.00001; ExAC 0.00002; ESP Exome Variant Server 0.00008.
gnomAD v4.1: 26 of 1,612,162 alleles (0.0016%); highest among the groups gnomAD compares: Non-Finnish European, 0.002%; no homozygotes.

Submissions (2):

Labcorp Genetics (formerly Invitae), Labcorp
Classification: Uncertain significance. Last evaluated: 2024-06-26. Review status: criteria provided, single submitter. Criteria: Invitae Variant Classification Sherloc (09022015). Collection method: clinical testing. Allele origin: germline.
Comment: This sequence change affects codon 210 of the WFS1 mRNA. It is a 'silent' change, meaning that it does not change the encoded amino acid sequence of the WFS1 protein. It affects a nucleotide within the consensus splice site. The frequency data for this variant in the population databases is considered unreliable, as metrics indicate poor data quality at this position in the gnomAD database. This variant has not been reported in the literature in individuals affected with WFS1-related conditions. ClinVar contains an entry for this variant (Variation ID: 1120077). Algorithms developed to predict the effect of sequence changes on RNA splicing suggest that this variant is not likely to affect RNA splicing. In summary, the available evidence is currently insufficient to determine the role of this variant in disease. Therefore, it has been classified as a Variant of Uncertain Significance.

Laboratory for Molecular Medicine, Mass General Brigham Personalized Medicine
Classification: Likely benign. Last evaluated: 2020-06-04. Review status: criteria provided, single submitter. Criteria: LMM Criteria. Collection method: clinical testing. Allele origin: germline. Observed: 1 variant allele.
Comment: The p.His210His variant in WFS1 is classified as likely benign because it does not alter an amino acid residue, is not located within the splice consensus site, and computational splice prediction tools do not predict an impact on splicing. ACMG/AMP Criteria applied: BP4, BP7.